The following is an entry in ClinVar:

ClinVar aggregate classification (germline): Benign. Review status: criteria provided, multiple submitters, no conflicts (2 of 4 stars). 3 submissions from 3 submitters: Benign (3). Last evaluated 2021-11-17.

Conditions:
Hyperalphalipoproteinemia 1 (HALP1). Also called: CETP-Related Hyperalphalipoproteinemia; CETP DEFICIENCY. Identifiers: MedGen C3149462, OMIM 143470.

Allele frequency attached by ClinVar (database versions not stated): gnomAD exomes 0.00219; gnomAD 0.02033 and 0.02173; 1000 Genomes Project 0.02296; TOPMed 0.02301.

Submissions (3):

Fulgent Genetics
Classification: Benign for Hyperalphalipoproteinemia 1. Last evaluated: 2021-11-17. Review status: criteria provided, single submitter. Criteria: ACMG Guidelines, 2015. Collection method: clinical testing. Allele origin: unknown.

GeneDx
Classification: Benign. Last evaluated: 2019-04-21. Review status: criteria provided, single submitter. Criteria: GeneDx Variant Classification Process June 2021. Collection method: clinical testing. Allele origin: germline. Affected: yes.
Comment: This variant is associated with the following publications: (PMID: 15324321)

Breakthrough Genomics
Classification: Benign. Review status: criteria provided, single submitter. Criteria: ACMG Guidelines, 2015. Collection method: not provided. Allele origin: germline. Inheritance: Autosomal dominant inheritance. Affected: yes.

NM_000078.3(CETP):c.-65G>A

Gene: CETP (cholesteryl ester transfer protein; plus strand). Cytogenetic location: 16q13.
Variant type: single nucleotide variant.
Coding change: c.-65G>A on transcript NM_000078.3 (MANE Select); 65 bases upstream of the start codon, G replaced by A.
Genome position (GRCh38, 1-based): chr16:56,961,915, G>A. VCF-style: chr16-56961915-G-A. GRCh37 (hg19) VCF-style: chr16-56995827-G-A.
Identifiers: ClinVar variation 369115 (VCV000369115.9), dbSNP rs17231520, ClinGen allele CA10654535.